The following is an entry in ClinVar:

ClinVar aggregate classification (germline): Pathogenic (1 of 4 stars; one submission).

Submission:

Labcorp Genetics (formerly Invitae), Labcorp
Classification: Pathogenic. Last evaluated: 2021-03-25. Review status: criteria provided, single submitter. Criteria: Invitae Variant Classification Sherloc (09022015). Collection method: clinical testing. Allele origin: germline.
Comment: For these reasons, this variant has been classified as Pathogenic. This variant has not been reported in the literature in individuals with NFKB1-related conditions. This variant is a gross deletion of the genomic region encompassing exon(s) 2-6 of the NFKB1 gene, which includes the initiator codon. The 5' end of this event is unknown as it extends beyond the assayed region for this gene and therefore may encompass additional genes. The 3' boundary is likely confined to intron 6 of the NFKB1 gene. It is expected to result in an absent or disrupted protein product. Loss-of-function variants in NFKB1 are known to be pathogenic (PMID: 26279205, 29477724).

Literature cited by the submitters: PubMed 26279205; PubMed 29477724.

NC_000004.11:g.(?_103446676)_(103488312_?)del

Gene: NFKB1 (nuclear factor kappa B subunit 1; plus strand). Cytogenetic location: 4q24.
Variant type: Deletion.
Identifiers: ClinVar variation 1460013 (VCV001460013.4).